The following is an entry in ClinVar:

ClinVar aggregate classification (germline): Pathogenic (1 of 4 stars; one submission).

Submission:

ISCA Site 6
Classification: Pathogenic. Last evaluated: 2011-08-12. Review status: criteria provided, single submitter. Criteria: Kaminsky et al. (Genet Med. 2011). Collection method: clinical testing. Allele origin: unknown. Affected: yes. Observed: 1 variant allele.
Comment: Copy number variation identified through the course of routine clinical cytogenomic testing in postnatal populations. Clinical assertions have been curated as described in Kaminsky et al. 2011.

GRCh38/hg38 Yp11.2-q11.223(chrY:2787210-22302412)x2

Genes: AMELY (amelogenin Y-linked; minus strand), CDY2A (chromodomain Y-linked 2A; plus strand), CDY2B (chromodomain Y-linked 2B; minus strand), DDX3Y (DEAD-box helicase 3 Y-linked; plus strand), EIF1AY (eukaryotic translation initiation factor 1A Y-linked; plus strand) and 98 more. Cytogenetic location: Yp11.2-q11.223.
Variant type: copy number gain.
Change: copy number 2 of chrY:2,787,210-22,302,412 (19.52 Mb, GRCh38 coordinates, 1-based), cytogenetic band Yp11.2-q11.223.
Identifiers: ClinVar variation 60442 (VCV000060442.2).